The following is an entry in ClinVar:

NM_004525.3(LRP2):c.2200G>T (p.Val734Phe)

Gene: LRP2 (LDL receptor related protein 2; minus strand). Cytogenetic location: 2q31.1.
Variant type: single nucleotide variant.
Coding change: c.2200G>T on transcript NM_004525.3 (MANE Select); coding-DNA position 2200, G replaced by T.
Protein change: p.Val734Phe; replaces valine 734 with phenylalanine.
Molecular consequence: missense variant.
Genome position (GRCh38, 1-based): chr2:169,271,024, C>A on the plus strand (G>T on the coding strand, the complement: LRP2 is on the minus strand). VCF-style: chr2-169271024-C-A. GRCh37 (hg19) VCF-style: chr2-170127534-C-A.
Other names: short protein forms V734F.
Identifiers: ClinVar variation 4987990 (VCV004987990.1).
Genomic context (GRCh38, chr2:169,271,024, plus strand): 5'-TGCTGTCCTGGGCGTCAAAATCAATCCCGACAAAGAAAGAAGGATTCCCCGAAACTGGAA[C>A]CATGACATCTTCCTGGGTAGACAAGGTGAACGGGATCCCACGAATAGCAACTTGGGATGA-3'
Protein context (NP_004516.2, residues 724-744): FTLSTQEDVM[Val734Phe]PVSGNPSFFV

ClinVar aggregate classification (germline): Uncertain significance (1 of 4 stars; one submission).

Conditions:
LRP2-related disorder. Also called: LRP2-related condition.

gnomAD v4.1: 8 of 1,613,094 alleles (0.0005%); highest among the groups gnomAD compares: Non-Finnish European, 0.00051%; no homozygotes.

Submission:

PreventionGenetics, part of Exact Sciences
Classification: Uncertain significance for LRP2-related condition. Last evaluated: 2025-09-17. Review status: criteria provided, single submitter. Criteria: ACMG Guidelines, 2015. Collection method: clinical testing. Allele origin: germline.
Comment: The LRP2 c.2200G>T variant is predicted to result in the amino acid substitution p.Val734Phe. To our knowledge, this variant has not been reported in the literature. This variant is reported in 0.0026% of alleles in individuals of European (Non-Finnish) descent in gnomAD. At this time, the clinical significance of this variant is uncertain due to the absence of conclusive functional and genetic evidence.